The following is an entry in ClinVar:

ClinVar aggregate classification (germline): Conflicting classifications of pathogenicity. Review status: criteria provided, conflicting classifications (1 of 4 stars). 3 submissions from 3 submitters: Uncertain significance (2); Likely benign (1). Last evaluated 2024-12-10.

Conditions:
Inborn genetic diseases. Identifiers: MedGen C0950123, MeSH D030342.

gnomAD v4.1: 50 of 1,607,740 alleles (0.0031%); highest among the groups gnomAD compares: Non-Finnish European, 0.004%; no homozygotes.

Submissions (3):

Ambry Genetics
Classification: Uncertain significance for Inborn genetic diseases. Last evaluated: 2024-12-10. Review status: criteria provided, single submitter. Criteria: Ambry Variant Classification Scheme 2023. Collection method: clinical testing. Allele origin: germline.

Labcorp Genetics (formerly Invitae), Labcorp
Classification: Uncertain significance. Last evaluated: 2024-07-16. Review status: criteria provided, single submitter. Criteria: Invitae Variant Classification Sherloc (09022015). Collection method: clinical testing. Allele origin: germline.
Comment: This sequence change replaces alanine, which is neutral and non-polar, with valine, which is neutral and non-polar, at codon 148 of the IGF2 protein (p.Ala148Val). The frequency data for this variant in the population databases is considered unreliable, as metrics indicate poor data quality at this position in the gnomAD database. This variant has not been reported in the literature in individuals affected with IGF2-related conditions. An algorithm developed to predict the effect of missense changes on protein structure and function outputs the following: PolyPhen-2: "Benign". The valine amino acid residue is found in multiple mammalian species, which suggests that this missense change does not adversely affect protein function. In summary, the available evidence is currently insufficient to determine the role of this variant in disease. Therefore, it has been classified as a Variant of Uncertain Significance.

Blueprint Genetics
Classification: Likely benign. Last evaluated: 2024-03-26. Review status: criteria provided, single submitter. Criteria: ACMG Guidelines, 2015. Collection method: clinical testing. Allele origin: germline.

NM_000612.6(IGF2):c.443C>T (p.Ala148Val)

Genes: IGF2 (insulin like growth factor 2; minus strand), INS-IGF2 (INS-IGF2 readthrough; minus strand). Cytogenetic location: 11p15.5.
Variant type: single nucleotide variant.
Coding change: c.443C>T on transcript NM_000612.6 (MANE Select); coding-DNA position 443, C replaced by T.
Protein change: p.Ala148Val; replaces alanine 148 with valine.
Molecular consequence: missense variant. On other transcripts: non-coding transcript variant (1).
Genome position (GRCh38, 1-based): chr11:2,133,087, G>A on the plus strand (C>T on the coding strand, the complement: IGF2 is on the minus strand). VCF-style: chr11-2133087-G-A. GRCh37 (hg19) VCF-style: chr11-2154317-G-A.
Other names: c.443C>T, p.Ala148Val (NM_001007139.6, NM_001291861.3, NM_001291862.3); c.611C>T, p.Ala204Val (NM_001127598.3); short protein forms A204V, A148V.
Identifiers: ClinVar variation 3528036 (VCV003528036.4).
Genomic context (GRCh38, chr11:2,133,087, plus strand): 5'-TGGGCGGGGTCTTGGGTGGGTAGAGCAATCAGGGGACGGTGACGTTTGGCCTCCCTGAAC[G>A]CCTCGAGCTCCTTGGCGAGCACGTGACCCCGGCGGGCACGCAGGAGGGCAGGCAGGCCCC-3'
Protein context (NP_000603.1, residues 138-158): RGHVLAKELE[Ala148Val]FREAKRHRPL